The following is an entry in ClinVar:

ClinVar aggregate classification (germline): Likely benign. Review status: criteria provided, multiple submitters, no conflicts (2 of 4 stars). 5 submissions from 5 submitters: Likely benign (4). 1 of the submissions does not count toward it. Last evaluated 2026-01-01.

Conditions:
RNASEH1-related disorder. Also called: RNASEH1-related condition.

Allele frequency attached by ClinVar (database versions not stated): gnomAD exomes 0.00003 and 0.00008; ExAC 0.00008; gnomAD 0.00023 and 0.00024; TOPMed 0.00040.
gnomAD v4.1: 79 of 1,614,050 alleles (0.0049%); highest among the groups gnomAD compares: Admixed American, 0.12%; 1 homozygote.

Submissions (5):

CeGaT Center for Human Genetics Tuebingen
Classification: Likely benign. Last evaluated: 2026-01-01. Review status: criteria provided, single submitter. Criteria: CeGaT Center For Human Genetics Tuebingen Variant Classification Criteria Version 2. Collection method: clinical testing. Allele origin: germline. Affected: yes. Observed: 1 variant allele.
Comment: RNASEH1: BP4, BP7

Labcorp Genetics (formerly Invitae), Labcorp
Classification: Likely benign. Last evaluated: 2025-10-14. Review status: criteria provided, single submitter. Criteria: Invitae Variant Classification Sherloc (09022015). Collection method: clinical testing. Allele origin: germline.

Mayo Clinic Laboratories, Mayo Clinic
Classification: Likely benign. Last evaluated: 2025-08-15. Review status: criteria provided, single submitter. Criteria: ACMG Guidelines, 2015. Collection method: clinical testing. Allele origin: germline. Observed: 2 variant alleles.
Comment: BP4, BP7

GeneDx
Classification: Likely benign. Last evaluated: 2019-12-11. Review status: criteria provided, single submitter. Criteria: GeneDx Variant Classification Process June 2021. Collection method: clinical testing. Allele origin: germline. Affected: yes.

PreventionGenetics, part of Exact Sciences
Classification: Likely benign for RNASEH1-related condition. Last evaluated: 2020-02-27. Review status: no assertion criteria provided. Collection method: clinical testing. Allele origin: germline. Not counted in ClinVar's aggregate classification.
Comment: This variant is classified as likely benign based on ACMG/AMP sequence variant interpretation guidelines (Richards et al. 2015 PMID: 25741868, with internal and published modifications).

NM_002936.6(RNASEH1):c.441C>T (p.Cys147=)

Gene: RNASEH1 (ribonuclease H1; minus strand). Cytogenetic location: 2p25.3.
Variant type: single nucleotide variant.
Coding change: c.441C>T on transcript NM_002936.6 (MANE Select); coding-DNA position 441, C replaced by T.
Protein change: p.Cys147=; no amino-acid change (cysteine 147 retained).
Molecular consequence: synonymous variant. On other transcripts: non-coding transcript variant (7).
Genome position (GRCh38, 1-based): chr2:3,550,441, G>A on the plus strand (C>T on the coding strand, the complement: RNASEH1 is on the minus strand). VCF-style: chr2-3550441-G-A. GRCh37 (hg19) VCF-style: chr2-3598031-G-A.
Other names: p.Cys147=; c.363C>T, p.Cys121= (NM_001286834.3); c.90C>T, p.Cys30= (NM_001286837.3); c.441C>T, p.Cys147= (NM_001378271.1, NM_001378273.1); c.438C>T, p.Cys146= (NM_001378272.1); c.441C>T (NM_002936.5).
Identifiers: ClinVar variation 737361 (VCV000737361.17), dbSNP rs769813042, ClinGen allele CA1516259.